The following is an entry in ClinVar:

NM_000297.4(PKD2):c.2503T>C (p.Ser835Pro)

Gene: PKD2 (polycystin 2, transient receptor potential cation channel; plus strand). Cytogenetic location: 4q22.1.
Variant type: single nucleotide variant.
Coding change: c.2503T>C on transcript NM_000297.4 (MANE Select); coding-DNA position 2503, T replaced by C.
Protein change: p.Ser835Pro; replaces serine 835 with proline.
Molecular consequence: missense variant. On other transcripts: non-coding transcript variant (1).
Genome position (GRCh38, 1-based): chr4:88,068,042, T>C. VCF-style: chr4-88068042-T-C. GRCh37 (hg19) VCF-style: chr4-88989194-T-C.
Other names: short protein forms S835P.
Identifiers: ClinVar variation 3591435 (VCV003591435.2).

ClinVar aggregate classification (germline): Uncertain significance. Review status: criteria provided, multiple submitters, no conflicts (2 of 4 stars). 2 submissions from 2 submitters: Uncertain significance (2). Last evaluated 2025-09-30.

Conditions:
Autosomal dominant polycystic kidney disease. Identifiers: Orphanet 730, MedGen C0085413, MONDO:0004691.
Polycystic kidney disease 2 (PKD2). Also called: POLYCYSTIC KIDNEY DISEASE, ADULT, TYPE II; Polycystic Kidney Disease 2, Autosomal Dominant; POLYCYSTIC KIDNEY DISEASE 2 WITH OR WITHOUT POLYCYSTIC LIVER DISEASE. Identifiers: MedGen C2751306, MONDO:0013131, OMIM 613095.

Submissions (2):

Labcorp Genetics (formerly Invitae), Labcorp
Classification: Uncertain significance for Autosomal dominant polycystic kidney disease. Last evaluated: 2025-09-30. Review status: criteria provided, single submitter. Criteria: Invitae Variant Classification Sherloc (09022015). Collection method: clinical testing. Allele origin: germline.
Comment: This sequence change replaces serine, which is neutral and polar, with proline, which is neutral and non-polar, at codon 835 of the PKD2 protein (p.Ser835Pro). This variant is not present in population databases (gnomAD no frequency). This variant has not been reported in the literature in individuals affected with PKD2-related conditions. ClinVar contains an entry for this variant (Variation ID: 3591435). Invitae Evidence Modeling of protein sequence and biophysical properties (such as structural, functional, and spatial information, amino acid conservation, physicochemical variation, residue mobility, and thermodynamic stability) indicates that this missense variant is not expected to disrupt PKD2 protein function with a negative predictive value of 80%. In summary, the available evidence is currently insufficient to determine the role of this variant in disease. Therefore, it has been classified as a Variant of Uncertain Significance.

Fulgent Genetics
Classification: Uncertain significance for Polycystic kidney disease 2. Last evaluated: 2024-03-07. Review status: criteria provided, single submitter. Criteria: ACMG Guidelines, 2015. Collection method: clinical testing. Allele origin: germline.